The following is an entry in ClinVar:

NM_005235.3(ERBB4):c.2472T>G (p.Cys824Trp)

Gene: ERBB4 (erb-b2 receptor tyrosine kinase 4; minus strand). Cytogenetic location: 2q34.
Variant type: single nucleotide variant.
Coding change: c.2472T>G on transcript NM_005235.3 (MANE Select); coding-DNA position 2472, T replaced by G.
Protein change: p.Cys824Trp; replaces cysteine 824 with tryptophan.
Molecular consequence: missense variant.
Genome position (GRCh38, 1-based): chr2:211,561,918, A>C on the plus strand (T>G on the coding strand, the complement: ERBB4 is on the minus strand). VCF-style: chr2-211561918-A-C. GRCh37 (hg19) VCF-style: chr2-212426643-A-C.
Other names: c.2472T>G, p.Cys824Trp (NM_001042599.2); c.2442T>G, p.Cys814Trp (NM_001439005.1, NM_001439006.1); short protein forms C824W, C814W.
Identifiers: ClinVar variation 4840664 (VCV004840664.1).

ClinVar aggregate classification (germline): Uncertain significance (1 of 4 stars; one submission).

Conditions:
Inborn genetic diseases. Identifiers: MedGen C0950123, MeSH D030342.

gnomAD v4.1: 2 of 1,614,014 alleles (0.00012%); highest among the groups gnomAD compares: East Asian, 0.0045%; no homozygotes.

Submission:

Ambry Genetics
Classification: Uncertain significance for Inborn genetic diseases. Last evaluated: 2026-02-27. Review status: criteria provided, single submitter. Criteria: Ambry Variant Classification Scheme 2023. Collection method: clinical testing. Allele origin: germline.
Comment: The c.2472T>G (p.C824W) alteration is located in exon 20 (coding exon 20) of the ERBB4 gene. This alteration results from a T to G substitution at nucleotide position 2472, causing the cysteine (C) at amino acid position 824 to be replaced by a tryptophan (W). Based on data from gnomAD, the G allele has an overall frequency of <0.001% (1/251462) total alleles studied. The highest observed frequency was 0.005% (1/18394) of East Asian alleles. Based on insufficient or conflicting evidence, the clinical significance of this alteration remains unclear.